The following is an entry in ClinVar:

ClinVar aggregate classification (germline): Pathogenic (1 of 4 stars; one submission).

Conditions:
Jeune thoracic dystrophy. Also called: Short-rib thoracic dysplasia; Jeune syndrome; Infantile thoracic dystrophy; Thoracic pelvic phalangeal dystrophy; Jeune's syndrome; Chondroectodermal dysplasia-like syndrome. Identifiers: Orphanet 474, MedGen C0265275, MONDO:0018770.

Submission:

Labcorp Genetics (formerly Invitae), Labcorp
Classification: Pathogenic for Jeune thoracic dystrophy. Last evaluated: 2025-09-21. Review status: criteria provided, single submitter. Criteria: Invitae Variant Classification Sherloc (09022015). Collection method: clinical testing. Allele origin: germline.
Comment: This sequence change creates a premature translational stop signal (p.Arg805*) in the DYNC2H1 gene. It is expected to result in an absent or disrupted protein product. Loss-of-function variants in DYNC2H1 are known to be pathogenic (PMID: 23339108, 32753734, 33755199). This variant is not present in population databases (gnomAD no frequency). This variant has not been reported in the literature in individuals affected with DYNC2H1-related conditions. Algorithms developed to predict the effect of sequence changes on RNA splicing suggest that this variant may disrupt the consensus splice site. For these reasons, this variant has been classified as Pathogenic.

Literature cited by the submitters: PubMed 23339108; PubMed 32753734; PubMed 33755199.

NM_001377.3(DYNC2H1):c.2413A>T (p.Arg805Ter)

Gene: DYNC2H1 (dynein cytoplasmic 2 heavy chain 1; plus strand). Cytogenetic location: 11q22.3.
Variant type: single nucleotide variant.
Coding change: c.2413A>T on transcript NM_001377.3 (MANE Select); coding-DNA position 2413, A replaced by T.
Protein change: p.Arg805Ter; replaces arginine 805 with a stop codon.
Molecular consequence: nonsense.
Genome position (GRCh38, 1-based): chr11:103,135,787, A>T. VCF-style: chr11-103135787-A-T. GRCh37 (hg19) VCF-style: chr11-103006516-A-T.
Other names: c.2413A>T, p.Arg805Ter (NM_001080463.2); short protein forms R805*.
Identifiers: ClinVar variation 4727260 (VCV004727260.1).